The following is an entry in ClinVar:

NM_000465.4(BARD1):c.2107C>T (p.Leu703Phe)

Gene: BARD1 (BRCA1 associated RING domain 1; minus strand). Cytogenetic location: 2q35.
Variant type: single nucleotide variant.
Coding change: c.2107C>T on transcript NM_000465.4 (MANE Select); coding-DNA position 2107, C replaced by T.
Protein change: p.Leu703Phe; replaces leucine 703 with phenylalanine.
Molecular consequence: missense variant. On other transcripts: non-coding transcript variant (3).
Genome position (GRCh38, 1-based): chr2:214,728,903, G>A on the plus strand (C>T on the coding strand, the complement: BARD1 is on the minus strand). VCF-style: chr2-214728903-G-A. GRCh37 (hg19) VCF-style: chr2-215593627-G-A.
Other names: c.2050C>T, p.Leu684Phe (NM_001282543.2); c.754C>T, p.Leu252Phe (NM_001282545.2); c.697C>T, p.Leu233Phe (NM_001282548.2); c.568C>T, p.Leu190Phe (NM_001282549.2); short protein forms L703F, L684F, L190F, L233F, L252F.
Identifiers: ClinVar variation 406783 (VCV000406783.15), dbSNP rs1060501303, ClinGen allele CA16610576.

ClinVar aggregate classification (germline): Uncertain significance. Review status: criteria provided, multiple submitters, no conflicts (2 of 4 stars). 2 submissions from 2 submitters: Uncertain significance (2). Last evaluated 2025-06-02.

Conditions:
Hereditary cancer-predisposing syndrome. Also called: Hereditary Cancer Syndrome; Hereditary neoplastic syndrome; Neoplastic Syndromes, Hereditary; Tumor predisposition. Identifiers: Orphanet 140162, MedGen C0027672, MeSH D009386, MONDO:0015356.
Familial cancer of breast. Also called: BREAST CANCER, FAMILIAL; Hereditary breast cancer; hereditary breast carcinoma. Identifiers: Orphanet 227535, MedGen C0346153, MONDO:0016419, OMIM 114480. Disease mechanism: loss of function.

Submissions (2):

Labcorp Genetics (formerly Invitae), Labcorp
Classification: Uncertain significance for Familial cancer of breast. Last evaluated: 2025-06-02. Review status: criteria provided, single submitter. Criteria: Invitae Variant Classification Sherloc (09022015). Collection method: clinical testing. Allele origin: germline.
Comment: This sequence change replaces leucine, which is neutral and non-polar, with phenylalanine, which is neutral and non-polar, at codon 703 of the BARD1 protein (p.Leu703Phe). This variant is not present in population databases (gnomAD no frequency). This variant has not been reported in the literature in individuals affected with BARD1-related conditions. ClinVar contains an entry for this variant (Variation ID: 406783). An algorithm developed to predict the effect of missense changes on protein structure and function (PolyPhen-2) suggests that this variant is likely to be disruptive. In summary, the available evidence is currently insufficient to determine the role of this variant in disease. Therefore, it has been classified as a Variant of Uncertain Significance.

Color Diagnostics, LLC DBA Color Health
Classification: Uncertain significance for Hereditary cancer-predisposing syndrome. Last evaluated: 2024-03-06. Review status: criteria provided, single submitter. Criteria: ACMG Guidelines, 2015. Collection method: clinical testing. Allele origin: germline.
Comment: This missense variant replaces leucine with phenylalanine at codon 703 of the BARD1 protein. Computational prediction suggests that this variant may not impact protein structure and function (internally defined REVEL score threshold <= 0.5, PMID: 27666373). Splice site prediction tools suggest that this variant may not impact RNA splicing. To our knowledge, functional studies have not been reported for this variant. This variant has not been reported in individuals affected with hereditary cancer in the literature. This variant has not been identified in the general population by the Genome Aggregation Database (gnomAD). The available evidence is insufficient to determine the role of this variant in disease conclusively. Therefore, this variant is classified as a Variant of Uncertain Significance.